The following is an entry in ClinVar:

NM_003748.4(ALDH4A1):c.95_103del (p.Val32_Asn34del)

Gene: ALDH4A1 (aldehyde dehydrogenase 4 family member A1; minus strand). Cytogenetic location: 1p36.13.
Variant type: Deletion.
Coding change: c.95_103del on transcript NM_003748.4 (MANE Select); coding-DNA positions 95 to 103, 9 bases deleted (TGGCCAACG; older notation c.95_103delTGGCCAACG).
Protein change: p.Val32_Asn34del.
Molecular consequence: 5 prime UTR variant (on NM_001161504.2).
Genome position (GRCh38, 1-based): chr1:18,890,065-18,890,073, CGTTGGCCA deleted on the plus strand (TGGCCAACG on the coding strand, the reverse complement: ALDH4A1 is on the minus strand); deleting any 9 consecutive bases within chr1:18,890,065-18,890,074 gives the same sequence; the c. name uses the placement nearest the transcript's 3' end. VCF-style (leftmost placement, unchanged base first): chr1-18890064-TCGTTGGCCA-T. GRCh37 (hg19) VCF-style: chr1-19216558-TCGTTGGCCA-T.
Other names: c.-86_-78del (NM_001161504.2); c.95_103del, p.Val32_Asn34del (NM_001319218.2, NM_170726.3).
Identifiers: ClinVar variation 4775524 (VCV004775524.1).

ClinVar aggregate classification (germline): Uncertain significance (1 of 4 stars; one submission).

Conditions:
Hyperprolinemia type 2 (HYRPRO2). Also called: 1-PYRROLINE-5-CARBOXYLATE DEHYDROGENASE DEFICIENCY; Deficiency of pyrroline-5-carboxylate reductase; Delta-1-pyrroline-5-carboxylate dehydrogenase deficiency. Identifiers: Orphanet 79101, MedGen C2931835, MONDO:0009401, OMIM 239510.

Submission:

Labcorp Genetics (formerly Invitae), Labcorp
Classification: Uncertain significance for Hyperprolinemia type 2. Last evaluated: 2025-08-11. Review status: criteria provided, single submitter. Criteria: Invitae Variant Classification Sherloc (09022015). Collection method: clinical testing. Allele origin: germline.
Comment: This variant, c.95_103del, results in the deletion of 3 amino acid(s) of the ALDH4A1 protein (p.Val32_Asn34del), but otherwise preserves the integrity of the reading frame. This variant is present in population databases (no rsID available, gnomAD 0.003%). This variant has not been reported in the literature in individuals affected with ALDH4A1-related conditions. Experimental studies and prediction algorithms are not available or were not evaluated, and the functional significance of this variant is currently unknown. In summary, the available evidence is currently insufficient to determine the role of this variant in disease. Therefore, it has been classified as a Variant of Uncertain Significance.